The following is an entry in ClinVar:

ClinVar aggregate classification (germline): Likely pathogenic (1 of 4 stars; one submission).

Submission:

Quest Diagnostics Nichols Institute San Juan Capistrano
Classification: Likely pathogenic. Last evaluated: 2021-07-12. Review status: criteria provided, single submitter. Criteria: ACMG/ClinGen CNV Guidelines, 2019. Collection method: clinical testing. Allele origin: unknown.
Comment: The copy number loss of 22q12.1 involves a full copy of TTC28 and several exons of the 3-prime portion of CHEK2 (OMIM 604373). TTC28 is not currently associated with an OMIM phenotype. Haploinsufficiency of CHEK2 due to loss-of-function sequence variants and disruptive gene deletions/insertions, is associated with autosomal dominant susceptibility to breast cancer in both women and men (OMIM 114480), prostate cancer in men (OMIM 176807) and colorectal cancer (OMIM 114500). Heterozygous pathogenic variants of CHEK2 may also increase the risk for other adult-onset malignancies, such as renal, thyroid, and stomach cancer (Stolarova et al., Cells. 2020 Dec 12;9(12):2675. PMID: 33322746). Additionally, overlapping 22q12.1 microdeletions including the MN1 gene, which is not encompassed in the current interval, have been reported in individuals with variable neurodevelopmental and facial anomalies. Common clinical manifestations include cleft or high-arched palate, micro- and/or retrognathia, hypertelorism, low-set and/or dysplastic ears, hypoplastic corpus callosum, mild-to-moderate developmental delay, and intellectual disability with delayed speech (Breckpot et al., Eur J Hum Genet. 2016 Jan;24(1):51-8., PMID: 25944382; Mak CCY, et al. Brain. 2020;143:55?68 PMID: 31834374). There are no similar copy number losses of this region in the general populations of the Database of Genomic Variants. Thus, the clinical significance of this copy number variant (CNV) is likely pathogenic.

GRCh37/hg19 22q12.1(chr22:28325271-29121061)x1

Genes: CHEK2 (checkpoint kinase 2; minus strand), TTC28 (tetratricopeptide repeat domain 28; minus strand). Cytogenetic location: 22q12.1.
Variant type: copy number loss.
Change: copy number 1 (one copy instead of two) of chr22:28,325,271-29,121,061 (795.8 kb, GRCh37 coordinates, 1-based), cytogenetic band 22q12.1.
Identifiers: ClinVar variation 1807714 (VCV001807714.1).